The following is an entry in ClinVar:

ClinVar aggregate classification (germline): Uncertain significance (1 of 4 stars; one submission).

Submission:

Women's Health and Genetics/Laboratory Corporation of America, LabCorp
Classification: Uncertain significance. Last evaluated: 2025-04-15. Review status: criteria provided, single submitter. Criteria: LabCorp Variant Classification Summary - May 2015. Collection method: clinical testing. Allele origin: germline.
Comment: Variant summary: SERPINC1 c.163T>C (p.Tyr55His) results in a conservative amino acid change in the encoded protein sequence. Four of five in-silico tools predict a damaging effect of the variant on protein function. The variant was absent in 251376 control chromosomes. The available data on variant occurrences in the general population are insufficient to allow any conclusion about variant significance. To our knowledge, no occurrence of c.163T>C in individuals affected with Antithrombin III Deficiency and no experimental evidence demonstrating its impact on protein function have been reported. No submitters have cited clinical-significance assessments for this variant to ClinVar. Based on the evidence outlined above, the variant was classified as uncertain significance.

NM_000488.4(SERPINC1):c.163T>C (p.Tyr55His)

Gene: SERPINC1 (serpin family C member 1; minus strand). Cytogenetic location: 1q25.1.
Variant type: single nucleotide variant.
Coding change: c.163T>C on transcript NM_000488.4 (MANE Select); coding-DNA position 163, T replaced by C.
Protein change: p.Tyr55His; replaces tyrosine 55 with histidine.
Molecular consequence: missense variant.
Genome position (GRCh38, 1-based): chr1:173,914,798, A>G on the plus strand (T>C on the coding strand, the complement: SERPINC1 is on the minus strand). VCF-style: chr1-173914798-A-G. GRCh37 (hg19) VCF-style: chr1-173883936-A-G.
Other names: c.19T>C, p.Tyr7His (NM_001365052.2); c.163T>C, p.Tyr55His (NM_001386302.1, NM_001386304.1, NM_001386305.1 and 1 more transcripts); c.244T>C, p.Tyr82His (NM_001386303.1); short protein forms Y55H, Y7H, Y82H.
Identifiers: ClinVar variation 3896266 (VCV003896266.2).